The following is an entry in ClinVar:

ClinVar aggregate classification (germline): Pathogenic. Review status: reviewed by expert panel (3 of 4 stars). 12 submissions from 12 submitters: Pathogenic (1). 11 of the submissions do not count toward it. Last evaluated 2017-03-17.

Conditions:
CFTR-related disorder (CFTR-RD). Also called: CFTR-related disorders; CFTR-related condition. Identifiers: MedGen C5924204, MONDO:7770004.
Bronchiectasis with or without elevated sweat chloride 1 (BESC1). Also called: Cystic Fibrosis-Like Syndrome. Identifiers: Orphanet 60033, MedGen C2749757, MONDO:0008887, OMIM 211400.
Hereditary pancreatitis (PCTT). Also called: PRSS1-Related Hereditary Pancreatitis; Hereditary chronic pancreatitis. Identifiers: Orphanet 676, MedGen C0238339, MONDO:0008185, OMIM 167800.
Cystic fibrosis (CF). Also called: MUCOVISCIDOSIS. Identifiers: Orphanet 586, MedGen C0010674, MONDO:0009061, OMIM 219700. Disease mechanism: loss of function.
Congenital bilateral aplasia of vas deferens from CFTR mutation (CBAVD). Identifiers: Orphanet 48, MedGen C0403814, MONDO:0010178, OMIM 277180. Disease mechanism: loss of function.

Submissions (12):

CFTR2
Classification: Pathogenic for Cystic fibrosis. Last evaluated: 2017-03-17. Review status: reviewed by expert panel. Criteria: Sosnay PR et al. (Nat Genet 2013). Collection method: research. Allele origin: germline. Affected: yes. Study: CFTR2.

Natera, Inc.
Classification: Pathogenic for CFTR-related disorders. Last evaluated: 2026-01-19. Review status: criteria provided, single submitter. Criteria: Natera Variant Classification Schema (03/2026). Collection method: clinical testing. Allele origin: germline. Not counted in ClinVar's aggregate classification.
Comment: The c.803delA variant in CFTR is a frameshift variant predicted to shift the reading frame beginning at codon 268 and leads to a stop codon 17 codons downstream. This variant is expected to result in nonsense mediated decay, truncation, or a dysfunctional protein product. This variant is rare in the general population with a frequency below the threshold expected for the associated phenotype(s). This variant has been observed in one or more individuals affected with the associated recessive disease, as either homozygous or compound heterozygous with a second variant (PMID: 27214204, 10993719). Given the available evidence, this variant is classified as Pathogenic.

Labcorp Genetics (formerly Invitae), Labcorp
Classification: Pathogenic for Cystic fibrosis. Last evaluated: 2025-12-02. Review status: criteria provided, single submitter. Criteria: Invitae Variant Classification Sherloc (09022015). Collection method: clinical testing. Allele origin: germline. Not counted in ClinVar's aggregate classification.
Comment: This sequence change creates a premature translational stop signal (p.Asn268Ilefs*17) in the CFTR gene. It is expected to result in an absent or disrupted protein product. Loss-of-function variants in CFTR are known to be pathogenic (PMID: 1695717, 7691345, 9725922). This variant is present in population databases (rs121908772, gnomAD 0.01%). This premature translational stop signal has been observed in individual(s) with cystic fibrosis (PMID: 10798368, 18456578, 22975760). This variant is also known as 935delA. ClinVar contains an entry for this variant (Variation ID: 48700). For these reasons, this variant has been classified as Pathogenic.

Quest Diagnostics Nichols Institute San Juan Capistrano
Classification: Pathogenic. Last evaluated: 2025-10-09. Review status: criteria provided, single submitter. Criteria: Quest Diagnostics criteria. Collection method: clinical testing. Allele origin: unknown. Not counted in ClinVar's aggregate classification.
Comment: The CFTR c.803del (p.Asn268Ilefs*17) variant alters the translational reading frame of the CFTR mRNA and causes the premature termination of CFTR protein synthesis. This variant has been reported in the published literature in individuals affected with cystic fibrosis (CF) (PMIDs: 10798368 (2000), 10993719 (2000), 11668613 (2001), 26708955 (2016)). The frequency of this variant in the general population (Genome Aggregation Database) is consistent with pathogenicity. Based on the available information, this variant is classified as pathogenic.

Ambry Genetics
Classification: Pathogenic for Cystic fibrosis. Last evaluated: 2024-09-24. Review status: criteria provided, single submitter. Criteria: Ambry Variant Classification Scheme 2023. Collection method: clinical testing. Allele origin: germline. Not counted in ClinVar's aggregate classification.
Comment: The c.803delA pathogenic mutation, located in coding exon 7 of the CFTR gene, results from a deletion of one nucleotide at nucleotide position 803, causing a translational frameshift with a predicted alternate stop codon (p.N268Ifs*17). This alteration was described in two individuals with a second CFTR alteration, failure to thrive, meconium ileus, elevated sweat chloride levels, and pancreatic insufficiency (Wang J et al. Mol. Genet. Metab., 2000 Aug;70:316-21). In addition to the clinical data presented in the literature, this alteration is expected to result in loss of function by premature protein truncation or nonsense-mediated mRNA decay. As such, this alteration is interpreted as a disease-causing mutation.

Fulgent Genetics
Classification: Pathogenic for Hereditary pancreatitis; Bronchiectasis with or without elevated sweat chloride 1; Cystic fibrosis; Congenital bilateral aplasia of vas deferens from CFTR mutation. Last evaluated: 2024-04-04. Review status: criteria provided, single submitter. Criteria: ACMG Guidelines, 2015. Collection method: clinical testing. Allele origin: germline. Not counted in ClinVar's aggregate classification.

Baylor Genetics
Classification: Pathogenic for Bronchiectasis with or without elevated sweat chloride 1. Last evaluated: 2024-03-29. Review status: criteria provided, single submitter. Criteria: ACMG Guidelines, 2015. Collection method: clinical testing. Allele origin: unknown. Not counted in ClinVar's aggregate classification.

Revvity Omics, Revvity
Classification: Pathogenic. Last evaluated: 2023-03-20. Review status: criteria provided, single submitter. Criteria: ACMG Guidelines, 2015. Collection method: clinical testing. Allele origin: germline. Not counted in ClinVar's aggregate classification.

Johns Hopkins Genomics, Johns Hopkins University
Classification: Pathogenic for Cystic fibrosis. Last evaluated: 2022-09-06. Review status: criteria provided, single submitter. Criteria: ACMG Guidelines, 2015. Collection method: clinical testing. Allele origin: germline. Not counted in ClinVar's aggregate classification.
Comment: Disease-causing CFTR variant. See CFTR2 for phenotype information.

Myriad Genetics, Inc.
Classification: Pathogenic for Cystic fibrosis. Last evaluated: 2019-12-04. Review status: criteria provided, single submitter. Criteria: Myriad Women's Health Autosomal Recessive and X-Linked Classification Criteria (2019). Collection method: clinical testing. Allele origin: unknown. Not counted in ClinVar's aggregate classification.
Comment: NM_000492.3(CFTR):c.803delA(N268Ifs*17, aka 935delA) is classified as pathogenic in the context of cystic fibrosis. Sources cited for classification include the following: PMID 10993719 and 21416780. Classification of NM_000492.3(CFTR):c.803delA(N268Ifs*17, aka 935delA) is based on the following criteria: The variant causes a premature termination codon that is expected to be targeted by nonsense-mediated mRNA decay and is reported in individuals with the relevant phenotype. Please note: this variant was assessed in the context of healthy population screening.

Women's Health and Genetics/Laboratory Corporation of America, LabCorp
Classification: Pathogenic for Cystic fibrosis. Last evaluated: 2019-10-14. Review status: criteria provided, single submitter. Criteria: LabCorp Variant Classification Summary - May 2015. Collection method: clinical testing. Allele origin: germline. Not counted in ClinVar's aggregate classification.
Comment: Variant summary: CFTR c.803delA (p.Asn268IlefsX17) results in a premature termination codon, predicted to cause a truncation of the encoded protein or absence of the protein due to nonsense mediated decay, which are commonly known mechanisms for disease. Truncations downstream of this position have been classified as pathogenic by our laboratory. The variant allele was found at a frequency of 2e-05 in 246354 control chromosomes. c.803delA has been reported in the literature in individuals affected with Cystic Fibrosis (example, Orozco_2000, Wong_2001, Wang_2000, Schrijver_2008) as a relatively common CF causing allele identified in US Hispanics (Schrijver_2008). These data indicate that the variant is likely to be associated with disease. No experimental evidence demonstrating an impact on protein function were ascertained or evaluated in the scope of this classification. One clinical diagnostic laboratory and the CFTR2 database have submitted clinical-significance assessments for this variant to ClinVar after 2014 without evidence for independent evaluation. Both submitters classified the variant as pathogenic. Based on the evidence outlined above, the variant was classified as pathogenic.

Eurofins Ntd Llc (ga)
Classification: Pathogenic. Last evaluated: 2013-02-20. Review status: criteria provided, single submitter. Criteria: EGL Classification Definitions. Collection method: clinical testing. Allele origin: germline. Observed: 2 variant alleles, 2 heterozygotes. Not counted in ClinVar's aggregate classification.

Literature cited by the submitters: PubMed 27214204 (cited by Natera, Inc.); PubMed 10993719 (cited by 5 submitters); PubMed 1695717 (cited by Labcorp Genetics (formerly Invitae), Labcorp); PubMed 7691345 (cited by Labcorp Genetics (formerly Invitae), Labcorp); PubMed 9725922 (cited by Labcorp Genetics (formerly Invitae), Labcorp); PubMed 10798368 (cited by 4 submitters); PubMed 18456578 (cited by Labcorp Genetics (formerly Invitae), Labcorp); PubMed 22975760 (cited by Labcorp Genetics (formerly Invitae), Labcorp); PubMed 26708955 (cited by Quest Diagnostics Nichols Institute San Juan Capistrano); PubMed 31344706 (cited by Quest Diagnostics Nichols Institute San Juan Capistrano); PubMed 11668613 (cited by Quest Diagnostics Nichols Institute San Juan Capistrano and Women's Health and Genetics/Laboratory Corporation of America, LabCorp); PubMed 15858154 (cited by Quest Diagnostics Nichols Institute San Juan Capistrano); PubMed 27447098 (cited by Quest Diagnostics Nichols Institute San Juan Capistrano); PubMed 27065010 (cited by Quest Diagnostics Nichols Institute San Juan Capistrano); PubMed 21474639 (cited by Ambry Genetics); PubMed 23810505 (cited by Ambry Genetics); PubMed 21416780 (cited by Myriad Genetics, Inc.); PubMed 18556774 (cited by Women's Health and Genetics/Laboratory Corporation of America, LabCorp).

NM_000492.4(CFTR):c.803del (p.Asn268fs)

Gene: CFTR (CF transmembrane conductance regulator; plus strand). Cytogenetic location: 7q31.2.
Variant type: Deletion.
Coding change: c.803del on transcript NM_000492.4 (MANE Select); coding-DNA position 803, one base deleted (A; older notation c.803delA).
Protein change: p.Asn268fs; shifts the reading frame from asparagine 268.
Molecular consequence: frameshift variant.
Genome position (GRCh38, 1-based): chr7:117,536,607, A deleted; the last of 4 consecutive A bases (chr7:117,536,604-117,536,607); deleting any one gives the same sequence. VCF-style (leftmost placement, unchanged base first): chr7-117536603-GA-G. GRCh37 (hg19) VCF-style: chr7-117176657-GA-G.
Other names: 935delA; c.803delA (NM_000492.3); short protein forms N268fs.
Identifiers: ClinVar variation 48700 (VCV000048700.30), dbSNP rs121908772, ClinGen allele CA221036.